The following is an entry in ClinVar:

ClinVar aggregate classification (germline): Conflicting classifications of pathogenicity. Review status: criteria provided, conflicting classifications (1 of 4 stars). 4 submissions from 4 submitters: Uncertain significance (3); Likely benign (1). Last evaluated 2026-01-25.

Conditions:
Hereditary cancer-predisposing syndrome. Also called: Hereditary neoplastic syndrome; Tumor predisposition; Hereditary Cancer Syndrome; Neoplastic Syndromes, Hereditary. Identifiers: Orphanet 140162, MedGen C0027672, MeSH D009386, MONDO:0015356.
Familial cancer of breast. Also called: hereditary breast carcinoma; Hereditary breast cancer; BREAST CANCER, FAMILIAL. Identifiers: Orphanet 227535, MedGen C0346153, MONDO:0016419, OMIM 114480. Disease mechanism: loss of function.

Submissions (4):

Labcorp Genetics (formerly Invitae), Labcorp
Classification: Uncertain significance for Familial cancer of breast. Last evaluated: 2026-01-25. Review status: criteria provided, single submitter. Criteria: Invitae Variant Classification Sherloc (09022015). Collection method: clinical testing. Allele origin: germline.
Comment: This sequence change replaces asparagine, which is neutral and polar, with serine, which is neutral and polar, at codon 368 of the PALB2 protein (p.Asn368Ser). This variant is not present in population databases (gnomAD no frequency). This variant has not been reported in the literature in individuals affected with PALB2-related conditions. ClinVar contains an entry for this variant (Variation ID: 410205). Invitae Evidence Modeling of protein sequence and biophysical properties (such as structural, functional, and spatial information, amino acid conservation, physicochemical variation, residue mobility, and thermodynamic stability) indicates that this missense variant is not expected to disrupt PALB2 protein function with a negative predictive value of 80%. In summary, the available evidence is currently insufficient to determine the role of this variant in disease. Therefore, it has been classified as a Variant of Uncertain Significance.

GeneDx
Classification: Uncertain significance. Last evaluated: 2025-03-06. Review status: criteria provided, single submitter. Criteria: GeneDx Variant Classification Process June 2021. Collection method: clinical testing. Allele origin: germline.
Comment: Not observed at significant frequency in large population cohorts (gnomAD); In silico analysis indicates that this missense variant does not alter protein structure/function; Has not been previously published as pathogenic or benign to our knowledge

Color Diagnostics, LLC DBA Color Health
Classification: Uncertain significance for Hereditary cancer-predisposing syndrome. Last evaluated: 2023-12-05. Review status: criteria provided, single submitter. Criteria: ACMG Guidelines, 2015. Collection method: clinical testing. Allele origin: germline.
Comment: This missense variant replaces asparagine with serine at codon 368 of the PALB2 protein. Computational prediction suggests that this variant may not impact protein structure and function (internally defined REVEL score threshold <= 0.5, PMID: 27666373). To our knowledge, functional studies have not been reported for this variant. This variant has not been reported in individuals affected with PALB2-related disorders in the literature. This variant has not been identified in the general population by the Genome Aggregation Database (gnomAD). The available evidence is insufficient to determine the role of this variant in disease conclusively. Therefore, this variant is classified as a Variant of Uncertain Significance.

Ambry Genetics
Classification: Likely benign for Hereditary cancer-predisposing syndrome. Last evaluated: 2018-09-13. Review status: criteria provided, single submitter. Criteria: Ambry Variant Classification Scheme 2023. Collection method: clinical testing. Allele origin: germline.

NM_024675.4(PALB2):c.1103A>G (p.Asn368Ser)

Gene: PALB2 (partner and localizer of BRCA2; minus strand). Cytogenetic location: 16p12.2.
Variant type: single nucleotide variant.
Coding change: c.1103A>G on transcript NM_024675.4 (MANE Select); coding-DNA position 1103, A replaced by G.
Protein change: p.Asn368Ser; replaces asparagine 368 with serine.
Molecular consequence: missense variant.
Genome position (GRCh38, 1-based): chr16:23,635,443, T>C on the plus strand (A>G on the coding strand, the complement: PALB2 is on the minus strand). VCF-style: chr16-23635443-T-C. GRCh37 (hg19) VCF-style: chr16-23646764-T-C.
Other names: short protein forms N368S.
Identifiers: ClinVar variation 410205 (VCV000410205.21), dbSNP rs1060502799, ClinGen allele CA16615103.
Genomic context (GRCh38, chr16:23,635,443, plus strand): 5'-GGAGAGGTTGCTTCCAGGCTAAGACTCTTAGGTTGACTTAGAATCTCACTTTCCTGAAGA[T>C]TTTCATTCCTGCCATCAAGAGTGTCACTGGGAGATTTTAAAGATTTCTCTGTTTGATTTT-3'
Protein context (NP_078951.2, residues 358-378): PSDTLDGRNE[Asn368Ser]LQESEILSQP